The following is an entry in ClinVar:

NM_000245.4(MET):c.2471A>C (p.Asp824Ala)

Gene: MET (MET proto-oncogene, receptor tyrosine kinase; plus strand). Cytogenetic location: 7q31.2.
Variant type: single nucleotide variant.
Coding change: c.2471A>C on transcript NM_000245.4 (MANE Select); coding-DNA position 2471, A replaced by C.
Protein change: p.Asp824Ala; replaces aspartic acid 824 with alanine.
Molecular consequence: missense variant.
Genome position (GRCh38, 1-based): chr7:116,763,156, A>C. VCF-style: chr7-116763156-A-C. GRCh37 (hg19) VCF-style: chr7-116403210-A-C.
Other names: c.2525A>C, p.Asp842Ala (NM_001127500.3); c.2471A>C, p.Asp824Ala (NM_001324401.3); c.1181A>C, p.Asp394Ala (NM_001324402.2); short protein forms D394A, D824A, D842A.
Identifiers: ClinVar variation 3344602 (VCV003344602.5).
Genomic context (GRCh38, chr7:116,763,156, plus strand): 5'-CTTCCCTGCAACAGCTGAATCTGCAACTCCCCCTGAAAACCAAAGCCTTTTTCATGTTAG[A>C]TGGGATCCTTTCCAAATACTTTGATCTCATTTATGTACATAATCCTGTGTTTAAGCCTTT-3'
Protein context (NP_000236.2, residues 814-834): PLKTKAFFML[Asp824Ala]GILSKYFDLI

ClinVar aggregate classification (germline): Uncertain significance. Review status: criteria provided, multiple submitters, no conflicts (2 of 4 stars). 3 submissions from 3 submitters: Uncertain significance (2). 1 of the submissions does not count toward it. Last evaluated 2026-05-10.

Conditions:
Renal cell carcinoma. Identifiers: Orphanet 217071, MedGen C0007134, MeSH D002292, MONDO:0005086, HP:0005584.
MET-related disorder. Also called: MET-related condition.
Hereditary cancer-predisposing syndrome. Also called: Neoplastic Syndromes, Hereditary; Tumor predisposition; Hereditary Cancer Syndrome; Hereditary neoplastic syndrome. Identifiers: Orphanet 140162, MedGen C0027672, MeSH D009386, MONDO:0015356.

gnomAD v4.1: 1 of 1,614,010 alleles (0.000062%); highest among the groups gnomAD compares: South Asian, 0.0011%; no homozygotes.

Submissions (3):

Ambry Genetics
Classification: Uncertain significance for Hereditary cancer-predisposing syndrome. Last evaluated: 2026-05-10. Review status: criteria provided, single submitter. Criteria: Ambry Variant Classification Scheme 2023. Collection method: clinical testing. Allele origin: germline.

Labcorp Genetics (formerly Invitae), Labcorp
Classification: Uncertain significance for Renal cell carcinoma. Last evaluated: 2025-07-01. Review status: criteria provided, single submitter. Criteria: Invitae Variant Classification Sherloc (09022015). Collection method: clinical testing. Allele origin: germline.
Comment: This sequence change replaces aspartic acid, which is acidic and polar, with alanine, which is neutral and non-polar, at codon 842 of the MET protein (p.Asp842Ala). This variant is not present in population databases (gnomAD no frequency). This variant has not been reported in the literature in individuals affected with MET-related conditions. ClinVar contains an entry for this variant (Variation ID: 3344602). Invitae Evidence Modeling of protein sequence and biophysical properties (such as structural, functional, and spatial information, amino acid conservation, physicochemical variation, residue mobility, and thermodynamic stability) indicates that this missense variant is not expected to disrupt MET protein function with a negative predictive value of 80%. In summary, the available evidence is currently insufficient to determine the role of this variant in disease. Therefore, it has been classified as a Variant of Uncertain Significance.

PreventionGenetics, part of Exact Sciences
Classification: Uncertain significance for MET-related condition. Last evaluated: 2024-06-04. Review status: no assertion criteria provided. Collection method: clinical testing. Allele origin: germline. Not counted in ClinVar's aggregate classification.
Comment: The MET c.2525A>C variant is predicted to result in the amino acid substitution p.Asp842Ala. To our knowledge, this variant has not been reported in the literature or in a large population database, indicating this variant is rare. At this time, the clinical significance of this variant is uncertain due to the absence of conclusive functional and genetic evidence.